The following is an entry in ClinVar:

NM_006206.6(PDGFRA):c.227A>T (p.Asn76Ile)

Gene: PDGFRA (platelet derived growth factor receptor alpha; plus strand). Cytogenetic location: 4q12.
Variant type: single nucleotide variant.
Coding change: c.227A>T on transcript NM_006206.6 (MANE Select); coding-DNA position 227, A replaced by T.
Protein change: p.Asn76Ile; replaces asparagine 76 with isoleucine.
Molecular consequence: missense variant.
Genome position (GRCh38, 1-based): chr4:54,261,272, A>T. VCF-style: chr4-54261272-A-T. GRCh37 (hg19) VCF-style: chr4-55127439-A-T.
Other names: c.227A>T, p.Asn76Ile (NM_001347827.2, NM_001347829.2); c.302A>T, p.Asn101Ile (NM_001347828.2); c.266A>T, p.Asn89Ile (NM_001347830.2); short protein forms N101I, N76I, N89I.
Identifiers: ClinVar variation 3305476 (VCV003305476.1).

ClinVar aggregate classification (germline): Uncertain significance (1 of 4 stars; one submission).

Conditions:
Hereditary cancer-predisposing syndrome. Also called: Tumor predisposition; Hereditary Cancer Syndrome; Hereditary neoplastic syndrome; Neoplastic Syndromes, Hereditary. Identifiers: Orphanet 140162, MedGen C0027672, MeSH D009386, MONDO:0015356.

Submission:

Ambry Genetics
Classification: Uncertain significance for Hereditary cancer-predisposing syndrome. Last evaluated: 2024-04-19. Review status: criteria provided, single submitter. Criteria: Ambry Variant Classification Scheme 2023. Collection method: clinical testing. Allele origin: germline.
Comment: The p.N76I variant (also known as c.227A>T), located in coding exon 2 of the PDGFRA gene, results from an A to T substitution at nucleotide position 227. The asparagine at codon 76 is replaced by isoleucine, an amino acid with dissimilar properties. This amino acid position is conserved. In addition, the in silico prediction for this alteration is inconclusive. Based on the available evidence, the clinical significance of this variant remains unclear.